The following is an entry in ClinVar:

NM_173551.5(ANKS6):c.1220-6C>T

Gene: ANKS6 (ankyrin repeat and sterile alpha motif domain containing 6; minus strand). Cytogenetic location: 9q22.33.
Variant type: single nucleotide variant.
Coding change: c.1220-6C>T on transcript NM_173551.5 (MANE Select); 6 bases into the intron before coding-DNA position 1220, C replaced by T.
Molecular consequence: intron variant.
Genome position (GRCh38, 1-based): chr9:98,780,343, G>A on the plus strand (C>T on the coding strand, the complement: ANKS6 is on the minus strand). VCF-style: chr9-98780343-G-A. GRCh37 (hg19) VCF-style: chr9-101542625-G-A.
Other names: p.?.
Identifiers: ClinVar variation 641802 (VCV000641802.9), dbSNP rs1371737147, ClinGen allele CA915947108.

ClinVar aggregate classification (germline): Likely benign. Review status: criteria provided, multiple submitters, no conflicts (2 of 4 stars). 2 submissions from 2 submitters: Likely benign (2). Last evaluated 2025-10-15.

Conditions:
Nephronophthisis 16 (NPHP16). Identifiers: Orphanet 655, MedGen C3809320, MONDO:0014158, OMIM 615382.

gnomAD v4.1: 3 of 1,579,206 alleles (0.00019%); highest among the groups gnomAD compares: African/African-American, 0.004%; no homozygotes.

Submissions (2):

Mayo Clinic Laboratories, Mayo Clinic
Classification: Likely benign. Last evaluated: 2025-10-15. Review status: criteria provided, single submitter. Criteria: ACMG Guidelines, 2015. Collection method: clinical testing. Allele origin: germline. Observed: 1 variant allele.
Comment: BP4, BP7, PM2_supporting

Labcorp Genetics (formerly Invitae), Labcorp
Classification: Likely benign for Nephronophthisis 16. Last evaluated: 2025-03-05. Review status: criteria provided, single submitter. Criteria: Invitae Variant Classification Sherloc (09022015). Collection method: clinical testing. Allele origin: germline.